The following is an entry in ClinVar:

NM_005591.4(MRE11):c.2092A>T (p.Met698Leu)

Gene: MRE11 (MRE11 double strand break repair nuclease; minus strand). Cytogenetic location: 11q21.
Variant type: single nucleotide variant.
Coding change: c.2092A>T on transcript NM_005591.4 (MANE Select); coding-DNA position 2092, A replaced by T.
Protein change: p.Met698Leu; replaces methionine 698 with leucine.
Molecular consequence: missense variant.
Genome position (GRCh38, 1-based): chr11:94,420,160, T>A on the plus strand (A>T on the coding strand, the complement: MRE11 is on the minus strand). VCF-style: chr11-94420160-T-A. GRCh37 (hg19) VCF-style: chr11-94153326-T-A.
Other names: c.2089A>T, p.Met697Leu (NM_001330347.2); c.2008A>T, p.Met670Leu (NM_005590.4); short protein forms M670L, M697L, M698L.
Identifiers: ClinVar variation 1800012 (VCV001800012.3), dbSNP rs1805362, ClinGen allele CA382372573.

ClinVar aggregate classification (germline): Uncertain significance (1 of 4 stars; one submission).

Conditions:
Hereditary cancer-predisposing syndrome. Also called: Neoplastic Syndromes, Hereditary; Tumor predisposition; Hereditary Cancer Syndrome; Hereditary neoplastic syndrome. Identifiers: Orphanet 140162, MedGen C0027672, MeSH D009386, MONDO:0015356.

gnomAD v4.1: 3 of 1,582,226 alleles (0.00019%); highest among the groups gnomAD compares: African/African-American, 0.0027%; no homozygotes.

Submission:

Ambry Genetics
Classification: Uncertain significance for Hereditary cancer-predisposing syndrome. Last evaluated: 2024-05-01. Review status: criteria provided, single submitter. Criteria: Ambry Variant Classification Scheme 2023. Collection method: clinical testing. Allele origin: germline.
Comment: The p.M698L variant (also known as c.2092A>T), located in coding exon 19 of the MRE11A gene, results from an A to T substitution at nucleotide position 2092. The methionine at codon 698 is replaced by leucine, an amino acid with highly similar properties. This amino acid position is conserved. In addition, this alteration is predicted to be tolerated by in silico analysis. Since supporting evidence is limited at this time, the clinical significance of this alteration remains unclear.